The following is an entry in ClinVar:

ClinVar aggregate classification (germline): Pathogenic (1 of 4 stars; one submission).

Conditions:
Hereditary nonpolyposis colon cancer (HNPCC). Also called: Hereditary Nonpolyposis Colorectal Cancer Syndrome; Hereditary nonpolyposis colorectal cancer; Familial nonpolyposis colon cancer. Identifiers: Orphanet 443909, MedGen C1333990, MONDO:0018630. Disease mechanism: loss of function.

Submission:

Women's Health and Genetics/Laboratory Corporation of America, LabCorp
Classification: Pathogenic for Hereditary nonpolyposis colon cancer. Last evaluated: 2026-03-30. Review status: criteria provided, single submitter. Criteria: LabCorp Variant Classification Summary - May 2015. Collection method: clinical testing. Allele origin: germline.
Comment: Variant summary: The variant involves the deletion of exons 12-15 in the PMS2 gene. A presumed nomenclature of c.(2006+1_2007-1)_(*2475_?)del has been designated for the purposes of this classification. The exact breakpoint at the distal 3' end of this variant is unknown, therefore this deletion may extend downstream of the annotated region of the gene. As it encompasses the termination codon, it is predicted to escape nonsense mediated decay (NMD). Loss-of-function variants in this gene are known to be pathogenic. The variant was absent in 21694 control chromosomes (gnomAD SV database). c.(2006+1_2007-1)_(*2475_?)del has been observed in at-least two individuals affected with Hereditary Nonpolyposis Colorectal Cancer (examples,Sugano_2016, Vaughn_2012) . These data indicate that the variant may be associated with disease. To our knowledge, no experimental evidence demonstrating an impact on protein function has been reported. A smaller deletion of exon 13-14 has been associated with disease at our lab. The following publications have been ascertained in the context of this evaluation (PMID: 27589204, 23012243). ClinVar contains an entry for this variant (Variation ID: 583516). Based on the evidence outlined above, the variant was classified as pathogenic.

Literature cited by the submitters: PubMed 23012243; PubMed 27589204.

NC_000007.13:g.(?_6010555)_(6022623_6026389)del

Gene: PMS2 (PMS1 homolog 2, mismatch repair system component; minus strand). Cytogenetic location: 7p22.1.
Variant type: Deletion.
Identifiers: ClinVar variation 4847605 (VCV004847605.1).